The following is an entry in ClinVar:

ClinVar aggregate classification (germline): Likely benign. Review status: criteria provided, multiple submitters, no conflicts (2 of 4 stars). 3 submissions from 3 submitters: Likely benign (3). Last evaluated 2025-12-31.

Conditions:
Catecholaminergic polymorphic ventricular tachycardia (CVPT). Also called: Catecholamine-induced polymorphic ventricular tachycardia. Identifiers: Orphanet 3286, MedGen C5574922, MONDO:0017990.
Catecholaminergic polymorphic ventricular tachycardia 1. Also called: VENTRICULAR TACHYCARDIA, STRESS-INDUCED POLYMORPHIC 1; VENTRICULAR TACHYCARDIA, CATECHOLAMINERGIC POLYMORPHIC, 1, WITH OR WITHOUT ATRIAL DYSFUNCTION AND/OR DILATED CARDIOMYOPATHY; RYR2-Related Catecholaminergic Polymorphic Ventricular Tachycardia. Identifiers: Orphanet 3286, MedGen C1631597, MONDO:0011484, OMIM 604772.
Cardiomyopathy (CMYO). Also called: Cardiomyopathies. Identifiers: Orphanet 167848, MedGen C0878544, MONDO:0004994, HP:0001638. Inheritance: Various modes of inheritance.

Allele frequency attached by ClinVar (database versions not stated): gnomAD exomes below 0.00001; TOPMed below 0.00001; ExAC 0.00001.
gnomAD v4.1: 2 of 1,613,946 alleles (0.00012%); highest among the groups gnomAD compares: Non-Finnish European, 0.00017%; no homozygotes.

Submissions (3):

Labcorp Genetics (formerly Invitae), Labcorp
Classification: Likely benign for Catecholaminergic polymorphic ventricular tachycardia 1. Last evaluated: 2025-12-31. Review status: criteria provided, single submitter. Criteria: Invitae Variant Classification Sherloc (09022015). Collection method: clinical testing. Allele origin: germline.

All of Us Research Program, National Institutes of Health
Classification: Likely benign for Catecholaminergic polymorphic ventricular tachycardia. Last evaluated: 2023-05-04. Review status: criteria provided, single submitter. Criteria: ACMG Guidelines, 2015. Collection method: clinical testing. Allele origin: germline. Inheritance: Autosomal dominant inheritance. Observed: 2 variant alleles, 2 heterozygotes.
Comment: This study involves interpretation of variants in research participants for the purpose of population health screening. Participant phenotype was not available at the time of variant classification. Additional details can be found in publication PMID: 35346344, PMCID: PMC8962531

Color Diagnostics, LLC DBA Color Health
Classification: Likely benign for Cardiomyopathy. Last evaluated: 2022-05-10. Review status: criteria provided, single submitter. Criteria: ACMG Guidelines, 2015. Collection method: clinical testing. Allele origin: germline.

NM_001035.3(RYR2):c.9699T>C (p.His3233=)

Gene: RYR2 (ryanodine receptor 2; plus strand). Cytogenetic location: 1q43.
Variant type: single nucleotide variant.
Coding change: c.9699T>C on transcript NM_001035.3 (MANE Select); coding-DNA position 9699, T replaced by C.
Protein change: p.His3233=; no amino-acid change (histidine 3233 retained).
Molecular consequence: synonymous variant.
Genome position (GRCh38, 1-based): chr1:237,707,067, T>C. VCF-style: chr1-237707067-T-C. GRCh37 (hg19) VCF-style: chr1-237870367-T-C.
Identifiers: ClinVar variation 2774366 (VCV002774366.6), dbSNP rs770532623, ClinGen allele CA087947.